The following is an entry in ClinVar:

ClinVar aggregate classification (germline): Likely benign. Review status: criteria provided, single submitter (1 of 4 stars). 2 submissions from 2 submitters: Likely benign (1). 1 of the submissions does not count toward it. Last evaluated 2023-07-01.

Conditions:
DLK1-related disorder. Also called: DLK1-related condition.

Allele frequency attached by ClinVar (database versions not stated): ExAC 0.00022; TOPMed 0.00022; gnomAD 0.00023; gnomAD exomes 0.00033; ESP Exome Variant Server 0.00038.
gnomAD v4.1: 506 of 1,613,970 alleles (0.031%); highest among the groups gnomAD compares: Non-Finnish European, 0.04%; no homozygotes.

Submissions (2):

CeGaT Center for Human Genetics Tuebingen
Classification: Likely benign. Last evaluated: 2023-07-01. Review status: criteria provided, single submitter. Criteria: CeGaT Center For Human Genetics Tuebingen Variant Classification Criteria Version 2. Collection method: clinical testing. Allele origin: germline. Affected: yes. Observed: 1 variant allele.
Comment: DLK1: BP4, BP7

PreventionGenetics, part of Exact Sciences
Classification: Likely benign for DLK1-related condition. Last evaluated: 2019-02-19. Review status: no assertion criteria provided. Collection method: clinical testing. Allele origin: germline. Not counted in ClinVar's aggregate classification.
Comment: This variant is classified as likely benign based on ACMG/AMP sequence variant interpretation guidelines (Richards et al. 2015 PMID: 25741868, with internal and published modifications).

NM_003836.7(DLK1):c.213C>T (p.Pro71=)

Gene: DLK1 (delta like non-canonical Notch ligand 1; plus strand). Cytogenetic location: 14q32.2.
Variant type: single nucleotide variant.
Coding change: c.213C>T on transcript NM_003836.7 (MANE Select); coding-DNA position 213, C replaced by T.
Protein change: p.Pro71=; no amino-acid change (proline 71 retained).
Molecular consequence: synonymous variant.
Genome position (GRCh38, 1-based): chr14:100,729,017, C>T. VCF-style: chr14-100729017-C-T. GRCh37 (hg19) VCF-style: chr14-101195354-C-T.
Other names: c.213C>T, p.Pro71= (NM_001317172.2); c.213C>T (NM_003836.6).
Identifiers: ClinVar variation 2578723 (VCV002578723.26), dbSNP rs140558508, ClinGen allele CA7346518.